The following is an entry in ClinVar:

NM_152703.5(SAMD9L):c.4136A>C (p.Glu1379Ala)

Gene: SAMD9L (sterile alpha motif domain containing 9 like; minus strand). Cytogenetic location: 7q21.2.
Variant type: single nucleotide variant.
Coding change: c.4136A>C on transcript NM_152703.5 (MANE Select); coding-DNA position 4136, A replaced by C.
Protein change: p.Glu1379Ala; replaces glutamic acid 1379 with alanine.
Molecular consequence: missense variant.
Genome position (GRCh38, 1-based): chr7:93,131,836, T>G on the plus strand (A>C on the coding strand, the complement: SAMD9L is on the minus strand). VCF-style: chr7-93131836-T-G. GRCh37 (hg19) VCF-style: chr7-92761149-T-G.
Other names: c.4136A>C, p.Glu1379Ala (NM_001303496.3, NM_001303497.3, NM_001303498.3 and 5 more transcripts); short protein forms E1379A.
Identifiers: ClinVar variation 4159408 (VCV004159408.1).

ClinVar aggregate classification (germline): Uncertain significance (1 of 4 stars; one submission).

Conditions:
Inborn genetic diseases. Identifiers: MedGen C0950123, MeSH D030342.

Submission:

Ambry Genetics
Classification: Uncertain significance for Inborn genetic diseases. Last evaluated: 2025-08-15. Review status: criteria provided, single submitter. Criteria: Ambry Variant Classification Scheme 2023. Collection method: clinical testing. Allele origin: germline.
Comment: The p.E1379A variant (also known as c.4136A>C), located in coding exon 1 of the SAMD9L gene, results from an A to C substitution at nucleotide position 4136. The glutamic acid at codon 1379 is replaced by alanine, an amino acid with dissimilar properties. This amino acid position is conserved. In addition, this alteration is predicted to be tolerated by in silico analysis. Based on the available evidence, the clinical significance of this variant remains unclear.